The following is an entry in ClinVar:

ClinVar aggregate classification (germline): Conflicting classifications of pathogenicity. Review status: criteria provided, conflicting classifications (1 of 4 stars). 6 submissions from 6 submitters: Uncertain significance (1); Benign (1); Likely benign (2). 2 of the submissions do not count toward it. Last evaluated 2025-11-16.

Conditions:
Renal tubular acidosis with progressive nerve deafness. Also called: renal tubular acidosis, distal, 2, with progressive sensorineural hearing loss; Distal Renal Tubular Acidosis with Progressive Sensorineural Deafness; RENAL TUBULAR ACIDOSIS, AUTOSOMAL RECESSIVE, WITH PROGRESSIVE NERVE DEAFNESS; RTA WITH PROGRESSIVE NERVE DEAFNESS. Identifiers: MedGen C0403554, MONDO:0009968, OMIM 267300.
ATP6V1B1-related disorder. Also called: ATP6V1B1-related condition.

Allele frequency attached by ClinVar (database versions not stated): 1000 Genomes Project 0.00020; gnomAD 0.00021 and 0.00023; TOPMed 0.00026; ExAC 0.00030; 1000 Genomes Project 30x 0.00031; gnomAD exomes 0.00037.
gnomAD v4.1: 466 of 1,613,842 alleles (0.029%); highest among the groups gnomAD compares: East Asian, 0.096%; no homozygotes.

Submissions (6):

Labcorp Genetics (formerly Invitae), Labcorp
Classification: Likely benign. Last evaluated: 2025-11-16. Review status: criteria provided, single submitter. Criteria: Invitae Variant Classification Sherloc (09022015). Collection method: clinical testing. Allele origin: germline.

GeneDx
Classification: Uncertain significance. Last evaluated: 2025-05-08. Review status: criteria provided, single submitter. Criteria: GeneDx Variant Classification Process June 2021. Collection method: clinical testing. Allele origin: germline. Affected: yes.
Comment: In silico analysis suggests that this missense variant does not alter protein structure/function; Has not been previously published as pathogenic or benign to our knowledge

Blueprint Genetics
Classification: Benign. Last evaluated: 2024-10-23. Review status: criteria provided, single submitter. Criteria: ACMG Guidelines, 2015. Collection method: clinical testing. Allele origin: germline.

Laboratory for Molecular Medicine, Mass General Brigham Personalized Medicine
Classification: Likely benign. Last evaluated: 2015-06-02. Review status: criteria provided, single submitter. Criteria: LMM Criteria. Collection method: clinical testing. Allele origin: germline. Observed: 1 variant allele.
Comment: p.Met26Thr in exon 1 of ATP6V1B1: This variant is not expected to have clinical significance because it has been identified in 0.3% (26/8630) of East Asian chro mosomes by the Exome Aggregation Consortium (ExAC, g; dbSNP rs527738649).

PreventionGenetics, part of Exact Sciences
Classification: Likely benign for ATP6V1B1-related condition. Last evaluated: 2023-08-03. Review status: no assertion criteria provided. Collection method: clinical testing. Allele origin: germline. Not counted in ClinVar's aggregate classification.
Comment: This variant is classified as likely benign based on ACMG/AMP sequence variant interpretation guidelines (Richards et al. 2015 PMID: 25741868, with internal and published modifications).

Natera, Inc.
Classification: Uncertain significance for Renal tubular acidosis with progressive nerve deafness. Last evaluated: 2019-12-10. Review status: no assertion criteria provided. Collection method: clinical testing. Allele origin: germline. Not counted in ClinVar's aggregate classification.

NM_001692.4(ATP6V1B1):c.77T>C (p.Met26Thr)

Gene: ATP6V1B1 (ATPase H+ transporting V1 subunit B1; plus strand). Cytogenetic location: 2p13.3.
Variant type: single nucleotide variant.
Coding change: c.77T>C on transcript NM_001692.4 (MANE Select); coding-DNA position 77, T replaced by C.
Protein change: p.Met26Thr; replaces methionine 26 with threonine.
Molecular consequence: missense variant.
Genome position (GRCh38, 1-based): chr2:70,936,031, T>C. VCF-style: chr2-70936031-T-C. GRCh37 (hg19) VCF-style: chr2-71163161-T-C.
Other names: short protein forms M26T.
Identifiers: ClinVar variation 227184 (VCV000227184.25), dbSNP rs527738649, ClinGen allele CA1700827.